The following is an entry in ClinVar:

ClinVar aggregate classification (germline): Uncertain significance. Review status: criteria provided, multiple submitters, no conflicts (2 of 4 stars). 2 submissions from 2 submitters: Uncertain significance (2). Last evaluated 2025-03-22.

Conditions:
Inborn genetic diseases. Identifiers: MedGen C0950123, MeSH D030342.
Brachyolmia-amelogenesis imperfecta syndrome. Also called: PLATYSPONDYLY WITH AMELOGENESIS IMPERFECTA; Tooth agenesis, selective, 6; Dental anomalies and short stature. Identifiers: Orphanet 2899, MedGen C1832594, MONDO:0011018, OMIM 601216. Disease mechanism: loss of function.

Allele frequency attached by ClinVar (database versions not stated): gnomAD 0.00002; gnomAD exomes 0.00002 and 0.00005; TOPMed 0.00002; ExAC 0.00003.
gnomAD v4.1: 75 of 1,612,430 alleles (0.0047%); highest among the groups gnomAD compares: Non-Finnish European, 0.0061%; no homozygotes.

Submissions (2):

Labcorp Genetics (formerly Invitae), Labcorp
Classification: Uncertain significance for Brachyolmia-amelogenesis imperfecta syndrome. Last evaluated: 2025-03-22. Review status: criteria provided, single submitter. Criteria: Invitae Variant Classification Sherloc (09022015). Collection method: clinical testing. Allele origin: germline.
Comment: This sequence change replaces glutamine, which is neutral and polar, with histidine, which is basic and polar, at codon 313 of the LTBP3 protein (p.Gln313His). This variant is present in population databases (rs761852134, gnomAD 0.005%). This variant has not been reported in the literature in individuals affected with LTBP3-related conditions. ClinVar contains an entry for this variant (Variation ID: 1431737). An algorithm developed to predict the effect of missense changes on protein structure and function (PolyPhen-2) suggests that this variant is likely to be disruptive. In summary, the available evidence is currently insufficient to determine the role of this variant in disease. Therefore, it has been classified as a Variant of Uncertain Significance.

Ambry Genetics
Classification: Uncertain significance for Inborn genetic diseases. Last evaluated: 2022-06-22. Review status: criteria provided, single submitter. Criteria: Ambry Variant Classification Scheme 2023. Collection method: clinical testing. Allele origin: germline.
Comment: The p.Q313H variant (also known as c.939G>C), located in coding exon 4 of the LTBP3 gene, results from a G to C substitution at nucleotide position 939. The glutamine at codon 313 is replaced by histidine, an amino acid with highly similar properties. This amino acid position is conserved. In addition, the in silico prediction for this alteration is inconclusive. Since supporting evidence is limited at this time, the clinical significance of this alteration remains unclear.

NM_001130144.3(LTBP3):c.939G>C (p.Gln313His)

Gene: LTBP3 (latent transforming growth factor beta binding protein 3; minus strand). Cytogenetic location: 11q13.1.
Variant type: single nucleotide variant.
Coding change: c.939G>C on transcript NM_001130144.3 (MANE Select); coding-DNA position 939, G replaced by C.
Protein change: p.Gln313His; replaces glutamine 313 with histidine.
Molecular consequence: missense variant.
Genome position (GRCh38, 1-based): chr11:65,553,456, C>G on the plus strand (G>C on the coding strand, the complement: LTBP3 is on the minus strand). VCF-style: chr11-65553456-C-G. GRCh37 (hg19) VCF-style: chr11-65320927-C-G.
Other names: c.588G>C, p.Gln196His (NM_001164266.1); c.939G>C, p.Gln313His (NM_021070.4); short protein forms Q313H, Q196H.
Identifiers: ClinVar variation 1431737 (VCV001431737.10), dbSNP rs761852134, ClinGen allele CA6101126.
Genomic context (GRCh38, chr11:65,553,456, plus strand): 5'-GGGAACGCCCCCTGAGCCCAAGCACTCACACTGCAGCTGGGGACACTTGTGGCACTTGCT[C>G]TGGCCCCAGGCAGTGCCGATGCTACCGCAGCAGTCTTCCTGCTTGGTGAGGCCGGGGAGG-3'
Protein context (NP_001123616.1, residues 303-323): CCGSIGTAWG[Gln313His]SKCHKCPQLQ